The following is an entry in ClinVar:

ClinVar aggregate classification (germline): Uncertain significance (1 of 4 stars; one submission).

Conditions:
Hereditary breast ovarian cancer syndrome. Also called: Hereditary breast and ovarian cancer syndrome (HBOC); Hereditary breast and/or ovarian cancer syndrome; Hereditary breast and ovarian cancer; BRCA1- and BRCA2-Associated Hereditary Breast and Ovarian Cancer; Breast and ovarian cancer; Hereditary breast and ovarian cancer syndrome. Identifiers: Orphanet 145, MedGen C0677776, MeSH D061325, MONDO:0003582. Disease mechanism: loss of function.

Submission:

Labcorp Genetics (formerly Invitae), Labcorp
Classification: Uncertain significance for Hereditary breast ovarian cancer syndrome. Last evaluated: 2022-05-30. Review status: criteria provided, single submitter. Criteria: Invitae Variant Classification Sherloc (09022015). Collection method: clinical testing. Allele origin: germline.
Comment: This variant is not present in population databases (gnomAD no frequency). This variant has not been reported in the literature in individuals affected with BRCA2-related conditions. Advanced modeling of protein sequence and biophysical properties (such as structural, functional, and spatial information, amino acid conservation, physicochemical variation, residue mobility, and thermodynamic stability) performed at Invitae indicates that this missense variant is not expected to disrupt BRCA2 protein function. In summary, the available evidence is currently insufficient to determine the role of this variant in disease. Therefore, it has been classified as a Variant of Uncertain Significance. This sequence change replaces leucine, which is neutral and non-polar, with arginine, which is basic and polar, at codon 90 of the BRCA2 protein (p.Leu90Arg).

NM_000059.4(BRCA2):c.269T>G (p.Leu90Arg)

Gene: BRCA2 (BRCA2 DNA repair associated; plus strand). Cytogenetic location: 13q13.1.
Variant type: single nucleotide variant.
Coding change: c.269T>G on transcript NM_000059.4 (MANE Select); coding-DNA position 269, T replaced by G.
Protein change: p.Leu90Arg; replaces leucine 90 with arginine.
Molecular consequence: missense variant.
Genome position (GRCh38, 1-based): chr13:32,319,278, T>G. VCF-style: chr13-32319278-T-G. GRCh37 (hg19) VCF-style: chr13-32893415-T-G.
Other names: c.269T>G, p.Leu90Arg (NM_001406719.1, NM_001406720.1, NM_001406721.1); c.-101T>G (NM_001406722.1); short protein forms L90R.
Identifiers: ClinVar variation 2120030 (VCV002120030.4), dbSNP rs1555280422, ClinGen allele CA387754577.